The following is an entry in ClinVar:

NM_000784.4(CYP27A1):c.1017+1G>A

Gene: CYP27A1 (cytochrome P450 family 27 subfamily A member 1; plus strand). Cytogenetic location: 2q35.
Variant type: single nucleotide variant.
Coding change: c.1017+1G>A on transcript NM_000784.4 (MANE Select); the canonical splice donor site of the intron after coding-DNA position 1017, G replaced by A.
Molecular consequence: splice donor variant.
Genome position (GRCh38, 1-based): chr2:218,813,097, G>A. VCF-style: chr2-218813097-G-A. GRCh37 (hg19) VCF-style: chr2-219677820-G-A.
Identifiers: ClinVar variation 959796 (VCV000959796.11), dbSNP rs1943742261, ClinGen allele CA350589193.

ClinVar aggregate classification (germline): Likely pathogenic. Review status: criteria provided, multiple submitters, no conflicts (2 of 4 stars). 2 submissions from 2 submitters: Likely pathogenic (2). Last evaluated 2024-12-20.

Conditions:
Cholestanol storage disease (CTX). Also called: CTX: Cerebrotendinous xanthomatosis; CEREBRAL CHOLESTERINOSIS; Cerebrotendinous Xanthomatosis. Identifiers: Orphanet 909, MedGen C0238052, MONDO:0008948, OMIM 213700.

Allele frequency attached by ClinVar (database versions not stated): gnomAD exomes below 0.00001; gnomAD 0.00001.

Submissions (2):

Labcorp Genetics (formerly Invitae), Labcorp
Classification: Likely pathogenic for Cholestanol storage disease. Last evaluated: 2024-12-20. Review status: criteria provided, single submitter. Criteria: Invitae Variant Classification Sherloc (09022015). Collection method: clinical testing. Allele origin: germline.
Comment: This sequence change affects a donor splice site in intron 5 of the CYP27A1 gene. It is expected to disrupt RNA splicing. Variants that disrupt the donor or acceptor splice site typically lead to a loss of protein function (PMID: 16199547), and loss-of-function variants in CYP27A1 are known to be pathogenic (PMID: 9392430, 10775536, 26937392). This variant is not present in population databases (gnomAD no frequency). This variant has not been reported in the literature in individuals affected with CYP27A1-related conditions. ClinVar contains an entry for this variant (Variation ID: 959796). Algorithms developed to predict the effect of sequence changes on RNA splicing suggest that this variant may disrupt the consensus splice site. In summary, the currently available evidence indicates that the variant is pathogenic, but additional data are needed to prove that conclusively. Therefore, this variant has been classified as Likely Pathogenic.

Juno Genomics, Hangzhou Juno Genomics, Inc
Classification: Likely pathogenic for Cholestanol storage disease. Review status: criteria provided, single submitter. Criteria: ACMG Guidelines, 2015. Collection method: clinical testing. Allele origin: germline.
Comment: Null variant in a gene where loss of function (LOF) is a known mechanism of disease.;Absent from controls (or at extremely low frequency if recessive) in Genome Aggregation Database.

Literature cited by the submitters: PubMed 16199547 (cited by Labcorp Genetics (formerly Invitae), Labcorp); PubMed 9392430 (cited by Labcorp Genetics (formerly Invitae), Labcorp); PubMed 10775536 (cited by Labcorp Genetics (formerly Invitae), Labcorp); PubMed 26937392 (cited by Labcorp Genetics (formerly Invitae), Labcorp).